The following is an entry in ClinVar:

ClinVar aggregate classification (germline): Uncertain significance (1 of 4 stars; one submission).

Conditions:
Joubert syndrome 18 (JBTS18). Identifiers: Orphanet 2754, MedGen C3553758, MONDO:0013896, OMIM 614815.
Orofacial-digital syndrome IV (OFD4). Also called: Orofaciodigital syndrome IV; BARAITSER-BURN SYNDROME; MOHR-MAJEWSKI SYNDROME; OFD SYNDROME WITH TIBIAL DEFECTS; OFD SYNDROME, BARAITSER-BURN TYPE; OFDS IV. Identifiers: Orphanet 2753, MedGen C0406727, MONDO:0009794, OMIM 258860.

gnomAD v4.1: 6 of 1,551,906 alleles (0.00039%); highest among the groups gnomAD compares: Admixed American, 0.002%; no homozygotes.

Submission:

Labcorp Genetics (formerly Invitae), Labcorp
Classification: Uncertain significance for Joubert syndrome 18; Orofacial-digital syndrome IV. Last evaluated: 2022-07-19. Review status: criteria provided, single submitter. Criteria: Invitae Variant Classification Sherloc (09022015). Collection method: clinical testing. Allele origin: germline.
Comment: This sequence change replaces cysteine, which is neutral and slightly polar, with glycine, which is neutral and non-polar, at codon 121 of the TCTN3 protein (p.Cys121Gly). In summary, the available evidence is currently insufficient to determine the role of this variant in disease. Therefore, it has been classified as a Variant of Uncertain Significance. Algorithms developed to predict the effect of missense changes on protein structure and function are either unavailable or do not agree on the potential impact of this missense change (SIFT: "Deleterious"; PolyPhen-2: "Probably Damaging"; Align-GVGD: "Class C0"). ClinVar contains an entry for this variant (Variation ID: 1483220). This variant has not been reported in the literature in individuals affected with TCTN3-related conditions. This variant is not present in population databases (gnomAD no frequency).

NM_015631.6(TCTN3):c.361T>G (p.Cys121Gly)

Gene: TCTN3 (tectonic family member 3; minus strand). Cytogenetic location: 10q24.1.
Variant type: single nucleotide variant.
Coding change: c.361T>G on transcript NM_015631.6 (MANE Select); coding-DNA position 361, T replaced by G.
Protein change: p.Cys121Gly; replaces cysteine 121 with glycine.
Molecular consequence: missense variant.
Genome position (GRCh38, 1-based): chr10:95,693,372, A>C on the plus strand (T>G on the coding strand, the complement: TCTN3 is on the minus strand). VCF-style: chr10-95693372-A-C. GRCh37 (hg19) VCF-style: chr10-97453129-A-C.
Other names: c.361T>G, p.Cys121Gly (NM_001143973.2); short protein forms C121G.
Identifiers: ClinVar variation 1483220 (VCV001483220.6), dbSNP rs2139767099, ClinGen allele CA377712471.